The following is an entry in ClinVar:

NM_005445.4(SMC3):c.709G>A (p.Ala237Thr)

Gene: SMC3 (structural maintenance of chromosomes 3; plus strand). Cytogenetic location: 10q25.2.
Variant type: single nucleotide variant.
Coding change: c.709G>A on transcript NM_005445.4 (MANE Select); coding-DNA position 709, G replaced by A.
Protein change: p.Ala237Thr; replaces alanine 237 with threonine.
Molecular consequence: missense variant.
Genome position (GRCh38, 1-based): chr10:110,582,084, G>A. VCF-style: chr10-110582084-G-A. GRCh37 (hg19) VCF-style: chr10-112341842-G-A.
Other names: short protein forms A237T.
Identifiers: ClinVar variation 3769671 (VCV003769671.1).
Genomic context (GRCh38, chr10:110,582,084, plus strand): 5'-GATAAAATGAGACGAGCCCTGGAATATACCATTTACAATCAGGAACTTAACGAGACTCGT[G>A]CCAAACTTGATGAGGTAAAATATTTACCTGTGACACTTAAAATCAGATTAATTTTGTTTT-3'
Protein context (NP_005436.1, residues 227-247): IYNQELNETR[Ala237Thr]KLDELSAKRE

ClinVar aggregate classification (germline): Uncertain significance (1 of 4 stars; one submission).

Submission:

GeneDx
Classification: Uncertain significance. Last evaluated: 2024-09-12. Review status: criteria provided, single submitter. Criteria: GeneDx Variant Classification Process June 2021. Collection method: clinical testing. Allele origin: germline. Affected: yes.
Comment: Not observed at significant frequency in large population cohorts (gnomAD); In silico analysis indicates that this missense variant does not alter protein structure/function; Has not been previously published as pathogenic or benign to our knowledge